The following is an entry in ClinVar:

ClinVar aggregate classification (germline): Uncertain significance. Review status: criteria provided, multiple submitters, no conflicts (2 of 4 stars). 3 submissions from 3 submitters: Uncertain significance (3). Last evaluated 2024-04-06.

Conditions:
Inborn genetic diseases. Identifiers: MedGen C0950123, MeSH D030342.
Neuromuscular disease caused by qualitative or quantitative defects of dysferlin. Also called: Qualitative or quantitative defects of dysferlin; Dysferlinopathy. Identifiers: Orphanet 207073, MedGen C2931687, MONDO:0016145.

Allele frequency attached by ClinVar (database versions not stated): gnomAD exomes 0.00001 and 0.00002; TOPMed 0.00001; ExAC 0.00002.
gnomAD v4.1: 14 of 1,614,052 alleles (0.00087%); highest among the groups gnomAD compares: South Asian, 0.0011%; no homozygotes.

Submissions (3):

Ambry Genetics
Classification: Uncertain significance for Inborn genetic diseases. Last evaluated: 2024-04-06. Review status: criteria provided, single submitter. Criteria: Ambry Variant Classification Scheme 2023. Collection method: clinical testing. Allele origin: germline.

Labcorp Genetics (formerly Invitae), Labcorp
Classification: Uncertain significance for Neuromuscular disease caused by qualitative or quantitative defects of dysferlin. Last evaluated: 2022-10-24. Review status: criteria provided, single submitter. Criteria: Invitae Variant Classification Sherloc (09022015). Collection method: clinical testing. Allele origin: germline.
Comment: This sequence change replaces glutamic acid, which is acidic and polar, with lysine, which is basic and polar, at codon 1779 of the DYSF protein (p.Glu1779Lys). This variant is present in population databases (rs764947245, gnomAD 0.003%). This variant has not been reported in the literature in individuals affected with DYSF-related conditions. ClinVar contains an entry for this variant (Variation ID: 961541). Algorithms developed to predict the effect of missense changes on protein structure and function (SIFT, PolyPhen-2, Align-GVGD) all suggest that this variant is likely to be tolerated. In summary, the available evidence is currently insufficient to determine the role of this variant in disease. Therefore, it has been classified as a Variant of Uncertain Significance.

Revvity Omics, Revvity
Classification: Uncertain significance. Last evaluated: 2022-06-14. Review status: criteria provided, single submitter. Criteria: ACMG Guidelines, 2015. Collection method: clinical testing. Allele origin: germline.

NM_001130987.2(DYSF):c.5452G>A (p.Glu1818Lys)

Gene: DYSF (dysferlin; plus strand). Cytogenetic location: 2p13.2.
Variant type: single nucleotide variant.
Coding change: c.5452G>A on transcript NM_001130987.2 (MANE Select); coding-DNA position 5452, G replaced by A.
Protein change: p.Glu1818Lys; replaces glutamic acid 1818 with lysine.
Molecular consequence: missense variant.
Genome position (GRCh38, 1-based): chr2:71,667,510, G>A. VCF-style: chr2-71667510-G-A. GRCh37 (hg19) VCF-style: chr2-71894640-G-A.
Other names: c.5338G>A, p.Glu1780Lys (NM_001130455.2); c.5293G>A, p.Glu1765Lys (NM_001130976.2); c.5356G>A, p.Glu1786Lys (NM_001130977.2); c.5398G>A, p.Glu1800Lys (NM_001130978.2); c.5428G>A, p.Glu1810Lys (NM_001130979.2); c.5386G>A, p.Glu1796Lys (NM_001130980.2); c.5449G>A, p.Glu1817Lys (NM_001130981.2); c.5431G>A, p.Glu1811Lys (NM_001130982.2); and 5 more; short protein forms E1780K, E1811K, E1817K, E1765K, E1779K, E1801K, E1818K, E1766K.
Identifiers: ClinVar variation 961541 (VCV000961541.7), dbSNP rs764947245, ClinGen allele CA1707366.
Genomic context (GRCh38, chr2:71,667,510, plus strand): 5'-GGCCTGGTCCCGGAGCACGTGGAGTCACGGCCCCTCTACAGCCCCCTGCAGCCAGACATC[G>A]AGCAGGTAGGACCTTGACCCTTGGGTCCCAGAGTCCTCGAACTCCAGAAAGCCCCAACCC-3'
Protein context (NP_001124459.1, residues 1808-1828): PLYSPLQPDI[Glu1818Lys]QGKLQMWVDL